The following is an entry in ClinVar:

ClinVar aggregate classification (germline): Pathogenic (1 of 4 stars; one submission).

Conditions:
Breast-ovarian cancer, familial, susceptibility to, 4. Identifiers: Orphanet 145, MedGen C3280345, MONDO:0013669, OMIM 614291.

Allele frequency attached by ClinVar (database versions not stated): gnomAD exomes below 0.00001.
gnomAD v4.1: 1 of 1,613,436 alleles (0.000062%); highest among the groups gnomAD compares: South Asian, 0.0011%; no homozygotes.

Submission:

Labcorp Genetics (formerly Invitae), Labcorp
Classification: Pathogenic for Breast-ovarian cancer, familial, susceptibility to, 4. Last evaluated: 2025-10-28. Review status: criteria provided, single submitter. Criteria: Invitae Variant Classification Sherloc (09022015). Collection method: clinical testing. Allele origin: germline.
Comment: This sequence change creates a premature translational stop signal (p.Gln177*) in the RAD51D gene. It is expected to result in an absent or disrupted protein product. Loss-of-function variants in RAD51D are known to be pathogenic (PMID: 21822267). This variant is not present in population databases (gnomAD no frequency). This premature translational stop signal has been observed in individual(s) with hereditary breast and ovarian cancer risk (PMID: 33047316). ClinVar contains an entry for this variant (Variation ID: 2891421). For these reasons, this variant has been classified as Pathogenic.

Literature cited by the submitters: PubMed 21822267; PubMed 33047316.

NM_002878.4(RAD51D):c.529C>T (p.Gln177Ter)

Genes: RAD51D (RAD51 paralog D; minus strand), RAD51L3-RFFL (RAD51L3-RFFL readthrough; minus strand). Cytogenetic location: 17q12.
Variant type: single nucleotide variant.
Coding change: c.529C>T on transcript NM_002878.4 (MANE Select); coding-DNA position 529, C replaced by T.
Protein change: p.Gln177Ter; replaces glutamine 177 with a stop codon.
Molecular consequence: nonsense. On other transcripts: non-coding transcript variant (3).
Genome position (GRCh38, 1-based): chr17:35,106,433, G>A on the plus strand (C>T on the coding strand, the complement: RAD51D is on the minus strand). VCF-style: chr17-35106433-G-A. GRCh37 (hg19) VCF-style: chr17-33433452-G-A.
Other names: c.589C>T, p.Gln197Ter (NM_001142571.2); c.193C>T, p.Gln65Ter (NM_133629.3); short protein forms Q177*, Q197*, Q65*.
Identifiers: ClinVar variation 2891421 (VCV002891421.3), dbSNP rs2142429256, ClinGen allele CA399088779.